The following is an entry in ClinVar:

NM_007118.4(TRIO):c.7597A>G (p.Ser2533Gly)

Gene: TRIO (trio Rho guanine nucleotide exchange factor; plus strand). Cytogenetic location: 5p15.2.
Variant type: single nucleotide variant.
Coding change: c.7597A>G on transcript NM_007118.4 (MANE Select); coding-DNA position 7597, A replaced by G.
Protein change: p.Ser2533Gly; replaces serine 2533 with glycine.
Molecular consequence: missense variant.
Genome position (GRCh38, 1-based): chr5:14,488,225, A>G. VCF-style: chr5-14488225-A-G. GRCh37 (hg19) VCF-style: chr5-14488334-A-G.
Other names: short protein forms S2533G.
Identifiers: ClinVar variation 1305367 (VCV001305367.2), dbSNP rs1399435042, ClinGen allele CA359237767.

ClinVar aggregate classification (germline): Uncertain significance (1 of 4 stars; one submission).

gnomAD v4.1: 3 of 1,588,658 alleles (0.00019%); highest among the groups gnomAD compares: Non-Finnish European, 0.00026%; no homozygotes.

Submission:

GeneDx
Classification: Uncertain significance. Last evaluated: 2020-08-25. Review status: criteria provided, single submitter. Criteria: GeneDx Variant Classification Process June 2021. Collection method: clinical testing. Allele origin: germline. Affected: yes.
Comment: Not observed in large population cohorts (Lek et al., 2016); In silico analysis, which includes protein predictors and evolutionary conservation, supports that this variant does not alter protein structure/function; Has not been previously published as pathogenic or benign to our knowledge